The following is an entry in ClinVar:

ClinVar aggregate classification (germline): Uncertain significance (1 of 4 stars; one submission).

Submission:

GeneDx
Classification: Uncertain significance. Last evaluated: 2025-05-05. Review status: criteria provided, single submitter. Criteria: GeneDx Variant Classification Process June 2021. Collection method: clinical testing. Allele origin: germline. Affected: yes.
Comment: Not observed at significant frequency in large population cohorts (gnomAD); In silico analysis suggests that this missense variant does not alter protein structure/function; Has not been previously published as pathogenic or benign to our knowledge

NM_001082486.2(ACD):c.742G>C (p.Gly248Arg)

Gene: ACD (ACD shelterin complex subunit and telomerase recruitment factor; minus strand). Cytogenetic location: 16q22.1.
Variant type: single nucleotide variant.
Coding change: c.742G>C on transcript NM_001082486.2 (MANE Select); coding-DNA position 742, G replaced by C.
Protein change: p.Gly248Arg; replaces glycine 248 with arginine.
Molecular consequence: missense variant.
Genome position (GRCh38, 1-based): chr16:67,658,720, C>G on the plus strand (G>C on the coding strand, the complement: ACD is on the minus strand). VCF-style: chr16-67658720-C-G. GRCh37 (hg19) VCF-style: chr16-67692623-C-G.
Other names: c.742G>C, p.Gly248Arg (NM_001410884.1); c.733G>C, p.Gly245Arg (NM_022914.3); short protein forms G245R, G248R.
Identifiers: ClinVar variation 4527593 (VCV004527593.1).